The following is an entry in ClinVar:

NM_001918.5(DBT):c.1150A>G (p.Ser384Gly)

Gene: DBT (dihydrolipoamide branched chain transacylase E2; minus strand). Cytogenetic location: 1p21.2.
Variant type: single nucleotide variant.
Coding change: c.1150A>G on transcript NM_001918.5 (MANE Select); coding-DNA position 1150, A replaced by G.
Protein change: p.Ser384Gly; replaces serine 384 with glycine.
Molecular consequence: missense variant.
Genome position (GRCh38, 1-based): chr1:100,206,504, T>C on the plus strand (A>G on the coding strand, the complement: DBT is on the minus strand). VCF-style: chr1-100206504-T-C. GRCh37 (hg19) VCF-style: chr1-100672060-T-C.
Identifiers: ClinVar variation 128885 (VCV000128885.37), dbSNP rs12021720, ClinGen allele CA152551.
Genomic context (GRCh38, chr1:100,206,504, plus strand): 5'-CTGATCCAATGTTGGAAAGAGTAAATGTTCCTCCTGTAAGATCAGTGGTGCTGAGCTGAC[T>C]CACAGAGCCCAATTTCTGGAGGCGGTTCAGTTCAGTGGCGATGTCAAATATAGAGCAGAT-3'
Protein context (NP_001909.4, residues 374-394): LNRLQKLGSV[Ser384Gly]QLSTTDLTGG

ClinVar aggregate classification (germline): Benign/Likely benign. Review status: criteria provided, multiple submitters, no conflicts (2 of 4 stars). 12 submissions from 12 submitters: Benign (7); Likely benign (1). 4 of the submissions do not count toward it. Last evaluated 2026-02-04.

Conditions:
Maple syrup urine disease type 1A (MSUD1A). Also called: MSUD type 1A. Identifiers: MedGen C1855369, MONDO:0023691, OMIM 248600.
Maple syrup urine disease (MSUD). Identifiers: Orphanet 511, MedGen C0024776, MeSH D008375, MONDO:0009563. Disease mechanism: loss of function.

Allele frequency attached by ClinVar (database versions not stated): TOPMed 0.86879; gnomAD 0.87100 and 0.87592; 1000 Genomes Project 30x 0.88835; 1000 Genomes Project 0.89177; gnomAD exomes 0.91111 and 0.91743; ExAC 0.91376.
gnomAD v4.1: 1,464,526 of 1,613,388 alleles (91%); highest among the groups gnomAD compares: East Asian, 98%; 665,858 homozygotes.

Submissions (12):

Labcorp Genetics (formerly Invitae), Labcorp
Classification: Benign for Maple syrup urine disease. Last evaluated: 2026-02-04. Review status: criteria provided, single submitter. Criteria: Invitae Variant Classification Sherloc (09022015). Collection method: clinical testing. Allele origin: germline.

ARUP Laboratories, Molecular Genetics and Genomics, ARUP Laboratories
Classification: Benign for Maple syrup urine disease type 1A. Last evaluated: 2023-11-29. Review status: criteria provided, single submitter. Criteria: ARUP Molecular Germline Variant Investigation Process 2024. Collection method: clinical testing. Allele origin: germline.

Women's Health and Genetics/Laboratory Corporation of America, LabCorp
Classification: Benign. Last evaluated: 2021-12-03. Review status: criteria provided, single submitter. Criteria: LabCorp Variant Classification Summary - May 2015. Collection method: clinical testing. Allele origin: germline.

Genome-Nilou Lab
Classification: Benign for Maple syrup urine disease type 1A. Last evaluated: 2021-07-30. Review status: criteria provided, single submitter. Criteria: ACMG Guidelines, 2015. Collection method: clinical testing. Allele origin: germline. Affected: no.

Fulgent Genetics
Classification: Likely benign for Maple syrup urine disease type 1A. Last evaluated: 2021-07-19. Review status: criteria provided, single submitter. Criteria: ACMG Guidelines, 2015. Collection method: clinical testing. Allele origin: unknown.

Eurofins Ntd Llc (ga)
Classification: Benign. Last evaluated: 2015-08-24. Review status: criteria provided, single submitter. Criteria: EGL Classification Definitions 2015. Collection method: clinical testing. Allele origin: germline. Observed: 182 variant alleles, 33 heterozygotes, 149 homozygotes.

GeneDx
Classification: Benign. Last evaluated: 2015-03-03. Review status: criteria provided, single submitter. Criteria: GeneDx Variant Classification Process June 2021. Collection method: clinical testing. Allele origin: germline. Affected: yes.
Comment: This variant is associated with the following publications: (PMID: 29306928, 14517957, 26232051, 27884173, 9621512, 20981092)

Breakthrough Genomics
Classification: Benign. Review status: criteria provided, single submitter. Criteria: ACMG Guidelines, 2015. Collection method: not provided. Allele origin: germline. Inheritance: Autosomal recessive inheritance. Affected: yes.

Clinical Genetics, Academic Medical Center
Classification: Benign. Review status: no assertion criteria provided. Collection method: clinical testing. Allele origin: germline. Affected: yes. Study: VKGL Data-share Consensus. Not counted in ClinVar's aggregate classification.

Diagnostic Laboratory, Department of Genetics, University Medical Center Groningen
Classification: Benign. Review status: no assertion criteria provided. Collection method: clinical testing. Allele origin: germline. Affected: yes. Study: VKGL Data-share Consensus. Not counted in ClinVar's aggregate classification.

Genetic Services Laboratory, University of Chicago
Classification: Likely benign for AllHighlyPenetrant. Review status: no assertion criteria provided. Collection method: clinical testing. Allele origin: germline. Inheritance: Autosomal recessive inheritance. Not counted in ClinVar's aggregate classification.
Comment: Likely benign based on allele frequency in 1000 Genomes Project or ESP global frequency and its presence in a patient with a rare or unrelated disease phenotype. NOT Sanger confirmed.

Genome Diagnostics Laboratory, University Medical Center Utrecht
Classification: Benign. Review status: no assertion criteria provided. Collection method: clinical testing. Allele origin: germline. Affected: yes. Study: VKGL Data-share Consensus. Not counted in ClinVar's aggregate classification.